The following is an entry in ClinVar:

ClinVar aggregate classification (germline): Uncertain significance (1 of 4 stars; one submission).

Conditions:
Cornelia de Lange syndrome 1 (CDLS1). Also called: Brachmann de Lange syndrome; NIPBL-Related Cornelia de Lange Syndrome; TYPUS DEGENERATIVUS AMSTELODAMENSIS. Identifiers: Orphanet 199, MedGen C4551851, MONDO:0007387, OMIM 122470.

Submission:

Labcorp Genetics (formerly Invitae), Labcorp
Classification: Uncertain significance for Cornelia de Lange syndrome 1. Last evaluated: 2023-08-28. Review status: criteria provided, single submitter. Criteria: Invitae Variant Classification Sherloc (09022015). Collection method: clinical testing. Allele origin: germline.
Comment: In summary, the available evidence is currently insufficient to determine the role of this variant in disease. Therefore, it has been classified as a Variant of Uncertain Significance. Advanced modeling of protein sequence and biophysical properties (such as structural, functional, and spatial information, amino acid conservation, physicochemical variation, residue mobility, and thermodynamic stability) performed at Invitae indicates that this missense variant is not expected to disrupt NIPBL protein function. This variant has not been reported in the literature in individuals affected with NIPBL-related conditions. This variant is not present in population databases (gnomAD no frequency). This sequence change replaces threonine, which is neutral and polar, with alanine, which is neutral and non-polar, at codon 773 of the NIPBL protein (p.Thr773Ala).

NM_133433.4(NIPBL):c.2317A>G (p.Thr773Ala)

Gene: NIPBL (NIPBL cohesin loading factor; plus strand). Cytogenetic location: 5p13.2.
Variant type: single nucleotide variant.
Coding change: c.2317A>G on transcript NM_133433.4 (MANE Select); coding-DNA position 2317, A replaced by G.
Protein change: p.Thr773Ala; replaces threonine 773 with alanine.
Molecular consequence: missense variant.
Genome position (GRCh38, 1-based): chr5:36,985,497, A>G. VCF-style: chr5-36985497-A-G. GRCh37 (hg19) VCF-style: chr5-36985599-A-G.
Other names: c.2317A>G, p.Thr773Ala (NM_015384.5); short protein forms T773A.
Identifiers: ClinVar variation 2867471 (VCV002867471.3), dbSNP rs868508212, ClinGen allele CA117044362.